The following is an entry in ClinVar:

ClinVar aggregate classification (germline): Pathogenic (1 of 4 stars; one submission).

Submission:

GeneDx
Classification: Pathogenic. Last evaluated: 2024-11-08. Review status: criteria provided, single submitter. Criteria: GeneDx Variant Classification Process June 2021. Collection method: clinical testing. Allele origin: germline. Affected: yes.
Comment: Missense variants in this gene are often considered pathogenic (HGMD); Not observed at significant frequency in large population cohorts (gnomAD); In silico analysis supports that this missense variant has a deleterious effect on protein structure/function; This variant is associated with the following publications: (PMID: 34355505)

NM_001101.5(ACTB):c.1051A>G (p.Thr351Ala)

Gene: ACTB (actin beta; minus strand). Cytogenetic location: 7p22.1.
Variant type: single nucleotide variant.
Coding change: c.1051A>G on transcript NM_001101.5 (MANE Select); coding-DNA position 1051, A replaced by G.
Protein change: p.Thr351Ala; replaces threonine 351 with alanine.
Molecular consequence: missense variant.
Genome position (GRCh38, 1-based): chr7:5,527,825, T>C on the plus strand (A>G on the coding strand, the complement: ACTB is on the minus strand). VCF-style: chr7-5527825-T-C. GRCh37 (hg19) VCF-style: chr7-5567456-T-C.
Other names: short protein forms T351A.
Identifiers: ClinVar variation 3898883 (VCV003898883.1).